The following is an entry in ClinVar:

NM_001384474.1(LOXHD1):c.4637A>C (p.Glu1546Ala)

Gene: LOXHD1 (lipoxygenase homology PLAT domains 1; minus strand). Cytogenetic location: 18q21.1.
Variant type: single nucleotide variant.
Coding change: c.4637A>C on transcript NM_001384474.1 (MANE Select); coding-DNA position 4637, A replaced by C.
Protein change: p.Glu1546Ala; replaces glutamic acid 1546 with alanine.
Molecular consequence: missense variant.
Genome position (GRCh38, 1-based): chr18:46,524,811, T>G on the plus strand (A>C on the coding strand, the complement: LOXHD1 is on the minus strand). VCF-style: chr18-46524811-T-G. GRCh37 (hg19) VCF-style: chr18-44104774-T-G.
Other names: c.1304A>C, p.Glu435Ala (NM_001145472.3); c.1016A>C, p.Glu339Ala (NM_001308013.2); c.4637A>C, p.Glu1546Ala (NM_144612.7); c.4637A>C (NM_144612.6); short protein forms E339A, E1546A, E435A.
Identifiers: ClinVar variation 2143476 (VCV002143476.2), dbSNP rs1453084551, ClinGen allele CA402373343.

ClinVar aggregate classification (germline): Uncertain significance. Review status: criteria provided, multiple submitters, no conflicts (2 of 4 stars). 2 submissions from 2 submitters: Uncertain significance (2). Last evaluated 2025-01-01.

Conditions:
Inborn genetic diseases. Identifiers: MedGen C0950123, MeSH D030342.

Allele frequency attached by ClinVar (database versions not stated): gnomAD exomes 0.00001.
gnomAD v4.1: 10 of 1,551,760 alleles (0.00064%); highest among the groups gnomAD compares: Non-Finnish European, 0.00078%; no homozygotes.

Submissions (2):

Ambry Genetics
Classification: Uncertain significance for Inborn genetic diseases. Last evaluated: 2025-01-01. Review status: criteria provided, single submitter. Criteria: Ambry Variant Classification Scheme 2023. Collection method: clinical testing. Allele origin: germline.

Labcorp Genetics (formerly Invitae), Labcorp
Classification: Uncertain significance. Last evaluated: 2021-12-20. Review status: criteria provided, single submitter. Criteria: Invitae Variant Classification Sherloc (09022015). Collection method: clinical testing. Allele origin: germline.
Comment: This sequence change replaces glutamic acid, which is acidic and polar, with alanine, which is neutral and non-polar, at codon 1546 of the LOXHD1 protein (p.Glu1546Ala). This variant is present in population databases (no rsID available, gnomAD 0.003%). This variant has not been reported in the literature in individuals affected with LOXHD1-related conditions. Algorithms developed to predict the effect of missense changes on protein structure and function are either unavailable or do not agree on the potential impact of this missense change (SIFT: "Deleterious"; PolyPhen-2: "Probably Damaging"; Align-GVGD: "Class C0"). In summary, the available evidence is currently insufficient to determine the role of this variant in disease. Therefore, it has been classified as a Variant of Uncertain Significance.